The following is an entry in ClinVar:

ClinVar aggregate classification (germline): Uncertain significance (1 of 4 stars; one submission).

Conditions:
Primary ciliary dyskinesia. Also called: Ciliary dyskinesia. Identifiers: Orphanet 244, MedGen C0008780, MONDO:0016575, HP:0012265.

Submission:

Labcorp Genetics (formerly Invitae), Labcorp
Classification: Uncertain significance for Primary ciliary dyskinesia. Last evaluated: 2025-06-15. Review status: criteria provided, single submitter. Criteria: Invitae Variant Classification Sherloc (09022015). Collection method: clinical testing. Allele origin: germline.
Comment: This sequence change replaces glutamic acid, which is acidic and polar, with glycine, which is neutral and non-polar, at codon 356 of the CCDC114 protein (p.Glu356Gly). This variant is not present in population databases (gnomAD no frequency). This variant has not been reported in the literature in individuals affected with CCDC114-related conditions. An algorithm developed to predict the effect of missense changes on protein structure and function (PolyPhen-2) suggests that this variant is likely to be disruptive. In summary, the available evidence is currently insufficient to determine the role of this variant in disease. Therefore, it has been classified as a Variant of Uncertain Significance.

NM_001364171.2(ODAD1):c.1178A>G (p.Glu393Gly)

Gene: ODAD1 (outer dynein arm docking complex subunit 1; minus strand). Cytogenetic location: 19q13.33.
Variant type: single nucleotide variant.
Coding change: c.1178A>G on transcript NM_001364171.2 (MANE Select); coding-DNA position 1178, A replaced by G.
Protein change: p.Glu393Gly; replaces glutamic acid 393 with glycine.
Molecular consequence: missense variant.
Genome position (GRCh38, 1-based): chr19:48,302,756, T>C on the plus strand (A>G on the coding strand, the complement: ODAD1 is on the minus strand). VCF-style: chr19-48302756-T-C. GRCh37 (hg19) VCF-style: chr19-48806013-T-C.
Other names: c.1067A>G, p.Glu356Gly (NM_144577.4); short protein forms E356G, E393G.
Identifiers: ClinVar variation 4749136 (VCV004749136.1).